The following is an entry in ClinVar:

ClinVar aggregate classification (germline): Uncertain significance. Review status: criteria provided, multiple submitters, no conflicts (2 of 4 stars). 2 submissions from 2 submitters: Uncertain significance (2). Last evaluated 2024-11-11.

Conditions:
Inborn genetic diseases. Identifiers: MedGen C0950123, MeSH D030342.

Allele frequency attached by ClinVar (database versions not stated): gnomAD 0.00006; gnomAD exomes 0.00008 and 0.00009; TOPMed 0.00008; ExAC 0.00011; ESP Exome Variant Server 0.00017; 1000 Genomes Project 0.00020; 1000 Genomes Project 30x 0.00031.
gnomAD v4.1: 133 of 1,613,646 alleles (0.0082%); highest among the groups gnomAD compares: Admixed American, 0.015%; no homozygotes.

Submissions (2):

Ambry Genetics
Classification: Uncertain significance for Inborn genetic diseases. Last evaluated: 2024-11-11. Review status: criteria provided, single submitter. Criteria: Ambry Variant Classification Scheme 2023. Collection method: clinical testing. Allele origin: germline.

Labcorp Genetics (formerly Invitae), Labcorp
Classification: Uncertain significance. Last evaluated: 2022-10-04. Review status: criteria provided, single submitter. Criteria: Invitae Variant Classification Sherloc (09022015). Collection method: clinical testing. Allele origin: germline.
Comment: This sequence change replaces glutamic acid, which is acidic and polar, with glycine, which is neutral and non-polar, at codon 943 of the CEP152 protein (p.Glu943Gly). This variant is present in population databases (rs200234298, gnomAD 0.02%). This variant has not been reported in the literature in individuals affected with CEP152-related conditions. ClinVar contains an entry for this variant (Variation ID: 1423741). Algorithms developed to predict the effect of missense changes on protein structure and function (SIFT, PolyPhen-2, Align-GVGD) all suggest that this variant is likely to be disruptive. In summary, the available evidence is currently insufficient to determine the role of this variant in disease. Therefore, it has been classified as a Variant of Uncertain Significance.

NM_001194998.2(CEP152):c.2828A>G (p.Glu943Gly)

Gene: CEP152 (centrosomal protein 152; minus strand). Cytogenetic location: 15q21.1.
Variant type: single nucleotide variant.
Coding change: c.2828A>G on transcript NM_001194998.2 (MANE Select); coding-DNA position 2828, A replaced by G.
Protein change: p.Glu943Gly; replaces glutamic acid 943 with glycine.
Molecular consequence: missense variant.
Genome position (GRCh38, 1-based): chr15:48,756,420, T>C on the plus strand (A>G on the coding strand, the complement: CEP152 is on the minus strand). VCF-style: chr15-48756420-T-C. GRCh37 (hg19) VCF-style: chr15-49048617-T-C.
Other names: c.2828A>G, p.Glu943Gly (NM_014985.4); c.2828A>G (NM_014985.3); short protein forms E943G.
Identifiers: ClinVar variation 1423741 (VCV001423741.5), dbSNP rs200234298, ClinGen allele CA7548467.
Genomic context (GRCh38, chr15:48,756,420, plus strand): 5'-TCTTTGTTCCATTCACTCCGAGCCTTAGCTAACTCAGCCCTGATGACCACAGGGACTTCT[T>C]CGTTCTTTAACTCAAGTTCCTTCTGAAGAGAATGAATCTTCTCTTCCAATTCCTTTCCAG-3'
Protein context (NP_001181927.1, residues 933-953): SLQKELELKN[Glu943Gly]EVPVVIRAEL